The following is an entry in ClinVar:

NM_001166108.2(PALLD):c.701T>G (p.Val234Gly)

Gene: PALLD (palladin, cytoskeletal associated protein; plus strand). Cytogenetic location: 4q32.3.
Variant type: single nucleotide variant.
Coding change: c.701T>G on transcript NM_001166108.2 (MANE Select); coding-DNA position 701, T replaced by G.
Protein change: p.Val234Gly; replaces valine 234 with glycine.
Molecular consequence: missense variant.
Genome position (GRCh38, 1-based): chr4:168,512,205, T>G. VCF-style: chr4-168512205-T-G. GRCh37 (hg19) VCF-style: chr4-169433356-T-G.
Other names: c.701T>G, p.Val234Gly (NM_016081.4); short protein forms V234G.
Identifiers: ClinVar variation 1756722 (VCV001756722.2), dbSNP rs2531435598, ClinGen allele CA358727987.

ClinVar aggregate classification (germline): Uncertain significance (1 of 4 stars; one submission).

Submission:

Ambry Genetics
Classification: Uncertain significance. Last evaluated: 2021-12-05. Review status: criteria provided, single submitter. Criteria: Ambry Variant Classification Scheme 2023. Collection method: clinical testing. Allele origin: germline.
Comment: The p.V234G variant (also known as c.701T>G), located in coding exon 1 of the PALLD gene, results from a T to G substitution at nucleotide position 701. The valine at codon 234 is replaced by glycine, an amino acid with dissimilar properties. This amino acid position is conserved. In addition, this alteration is predicted to be tolerated by in silico analysis. Since supporting evidence is limited at this time, the clinical significance of this alteration remains unclear.